The following is an entry in ClinVar:

ClinVar aggregate classification (germline): Uncertain significance (1 of 4 stars; one submission).

Allele frequency attached by ClinVar (database versions not stated): gnomAD exomes below 0.00001; gnomAD 0.00001; TOPMed 0.00003.
gnomAD v4.1: 3 of 1,607,440 alleles (0.00019%); highest among the groups gnomAD compares: African/African-American, 0.004%; no homozygotes.

Submission:

Labcorp Genetics (formerly Invitae), Labcorp
Classification: Uncertain significance. Last evaluated: 2023-05-15. Review status: criteria provided, single submitter. Criteria: Invitae Variant Classification Sherloc (09022015). Collection method: clinical testing. Allele origin: germline.
Comment: ClinVar contains an entry for this variant (Variation ID: 1513742). This variant has not been reported in the literature in individuals affected with DNA2-related conditions. This variant is not present in population databases (gnomAD no frequency). This sequence change creates a premature translational stop signal (p.Glu78*) in the DNA2 gene. It is expected to result in an absent or disrupted protein product. However, the current clinical and genetic evidence is not sufficient to establish whether loss-of-function variants in DNA2 cause disease. Algorithms developed to predict the effect of sequence changes on RNA splicing suggest that this variant may disrupt the consensus splice site. In summary, the available evidence is currently insufficient to determine the role of this variant in disease. Therefore, it has been classified as a Variant of Uncertain Significance.

NM_001080449.3(DNA2):c.232G>T (p.Glu78Ter)

Gene: DNA2 (DNA replication helicase/nuclease 2; minus strand). Cytogenetic location: 10q21.3.
Variant type: single nucleotide variant.
Coding change: c.232G>T on transcript NM_001080449.3 (MANE Select); coding-DNA position 232, G replaced by T.
Protein change: p.Glu78Ter; replaces glutamic acid 78 with a stop codon.
Molecular consequence: nonsense. On other transcripts: non-coding transcript variant (1).
Genome position (GRCh38, 1-based): chr10:68,470,006, C>A on the plus strand (G>T on the coding strand, the complement: DNA2 is on the minus strand). VCF-style: chr10-68470006-C-A. GRCh37 (hg19) VCF-style: chr10-70229763-C-A.
Other names: short protein forms E78*.
Identifiers: ClinVar variation 1513742 (VCV001513742.6), dbSNP rs1421904895, ClinGen allele CA376831530.